The following is an entry in ClinVar:

ClinVar aggregate classification (germline): Uncertain significance. Review status: criteria provided, multiple submitters, no conflicts (2 of 4 stars). 3 submissions from 3 submitters: Uncertain significance (3). Last evaluated 2024-06-27.

Conditions:
Hereditary cancer-predisposing syndrome. Also called: Neoplastic Syndromes, Hereditary; Tumor predisposition; Hereditary Cancer Syndrome; Hereditary neoplastic syndrome. Identifiers: Orphanet 140162, MedGen C0027672, MeSH D009386, MONDO:0015356.
Hereditary breast ovarian cancer syndrome. Also called: Hereditary breast and ovarian cancer syndrome; BRCA1- and BRCA2-Associated Hereditary Breast and Ovarian Cancer; Breast and ovarian cancer; Hereditary breast and/or ovarian cancer syndrome; Hereditary breast and ovarian cancer; Hereditary breast and ovarian cancer syndrome (HBOC). Identifiers: Orphanet 145, MedGen C0677776, MeSH D061325, MONDO:0003582. Disease mechanism: loss of function.
Rhabdomyosarcoma. Also called: Rhabdomyosarcoma (disease). Identifiers: Orphanet 780, MedGen C0035412, MeSH D012208, MONDO:0005212, HP:0002859.

Submissions (3):

Labcorp Genetics (formerly Invitae), Labcorp
Classification: Uncertain significance for Hereditary breast ovarian cancer syndrome. Last evaluated: 2024-06-27. Review status: criteria provided, single submitter. Criteria: Invitae Variant Classification Sherloc (09022015). Collection method: clinical testing. Allele origin: germline.
Comment: This sequence change replaces proline, which is neutral and non-polar, with serine, which is neutral and polar, at codon 3292 of the BRCA2 protein (p.Pro3292Ser). This variant is not present in population databases (gnomAD no frequency). This variant has not been reported in the literature in individuals affected with BRCA2-related conditions. ClinVar contains an entry for this variant (Variation ID: 234197). Advanced modeling of protein sequence and biophysical properties (such as structural, functional, and spatial information, amino acid conservation, physicochemical variation, residue mobility, and thermodynamic stability) performed at Invitae indicates that this missense variant is not expected to disrupt BRCA2 protein function with a negative predictive value of 95%. In summary, the available evidence is currently insufficient to determine the role of this variant in disease. Therefore, it has been classified as a Variant of Uncertain Significance.

Ambry Genetics
Classification: Uncertain significance for Hereditary cancer-predisposing syndrome. Last evaluated: 2022-02-18. Review status: criteria provided, single submitter. Criteria: Ambry Variant Classification Scheme 2023. Collection method: clinical testing. Allele origin: germline.
Comment: The p.P3292S variant (also known as c.9874C>T), located in coding exon 26 of the BRCA2 gene, results from a C to T substitution at nucleotide position 9874. The proline at codon 3292 is replaced by serine, an amino acid with similar properties. This amino acid position is well conserved in available vertebrate species. In addition, this alteration is predicted to be tolerated by in silico analysis. Since supporting evidence is limited at this time, the clinical significance of this alteration remains unclear.

Centre for Mendelian Genomics, University Medical Centre Ljubljana
Classification: Uncertain significance for Rhabdomyosarcoma. Last evaluated: 2015-08-10. Review status: criteria provided, single submitter. Criteria: ACMG Guidelines, 2015. Collection method: clinical testing. Allele origin: unknown. Affected: yes.

Literature cited by the submitters: PubMed 15800615 (cited by Ambry Genetics).

NM_000059.4(BRCA2):c.9874C>T (p.Pro3292Ser)

Gene: BRCA2 (BRCA2 DNA repair associated; plus strand). Cytogenetic location: 13q13.1.
Variant type: single nucleotide variant.
Coding change: c.9874C>T on transcript NM_000059.4 (MANE Select); coding-DNA position 9874, C replaced by T.
Protein change: p.Pro3292Ser; replaces proline 3292 with serine.
Molecular consequence: missense variant.
Genome position (GRCh38, 1-based): chr13:32,398,387, C>T. VCF-style: chr13-32398387-C-T. GRCh37 (hg19) VCF-style: chr13-32972524-C-T.
Other names: short protein forms P3292S.
Identifiers: ClinVar variation 234197 (VCV000234197.8), dbSNP rs876660917, ClinGen allele CA10579848.
Genomic context (GRCh38, chr13:32,398,387, plus strand): 5'-GATTTCTTGAGTAGACTGCCTTTACCTCCACCTGTTAGTCCCATTTGTACATTTGTTTCT[C>T]CGGCTGCACAGAAGGCATTTCAGCCACCAAGGAGTTGTGGCACCAAATACGAAACACCCA-3'
Protein context (NP_000050.3, residues 3282-3302): PVSPICTFVS[Pro3292Ser]AAQKAFQPPR